The following is an entry in ClinVar:

NM_033380.3(COL4A5):c.3968A>G (p.Asn1323Ser)

Gene: COL4A5 (collagen type IV alpha 5 chain; plus strand). Cytogenetic location: Xq22.3.
Variant type: single nucleotide variant.
Coding change: c.3968A>G on transcript NM_033380.3 (MANE Select); coding-DNA position 3968, A replaced by G.
Protein change: p.Asn1323Ser; replaces asparagine 1323 with serine.
Molecular consequence: missense variant.
Genome position (GRCh38, 1-based): chrX:108,680,704, A>G. VCF-style: chrX-108680704-A-G. GRCh37 (hg19) VCF-style: chrX-107923934-A-G.
Other names: c.3950A>G, p.Asn1317Ser (NM_000495.5); short protein forms N1323S, N1317S.
Identifiers: ClinVar variation 2889712 (VCV002889712.6), dbSNP rs1022894215, ClinGen allele CA334054500.

ClinVar aggregate classification (germline): Uncertain significance. Review status: criteria provided, multiple submitters, no conflicts (2 of 4 stars). 2 submissions from 2 submitters: Uncertain significance (2). Last evaluated 2025-06-19.

Allele frequency attached by ClinVar (database versions not stated): gnomAD exomes below 0.00001; gnomAD 0.00001; TOPMed 0.00001.
gnomAD v4.1: 2 of 1,208,340 alleles (0.00017%); highest among the groups gnomAD compares: Admixed American, 0.0022%; no homozygotes.

Submissions (2):

Women's Health and Genetics/Laboratory Corporation of America, LabCorp
Classification: Uncertain significance. Last evaluated: 2025-06-19. Review status: criteria provided, single submitter. Criteria: LabCorp Variant Classification Summary - May 2015. Collection method: clinical testing. Allele origin: germline.
Comment: Variant summary: COL4A5 c.3950A>G (p.Asn1317Ser) results in a conservative amino acid change in the encoded protein sequence. Algorithms developed to predict the effect of missense changes on protein structure and function are either unavailable or do not agree on the potential impact of this missense change. The variant allele was found at a frequency of 5.5e-06 in 182999 control chromosomes (gnomAD). The available data on variant occurrences in the general population are insufficient to allow any conclusion about variant significance. To our knowledge, no occurrence of c.3950A>G in individuals affected with Alport Syndrome 1, X-Linked Recessive and no experimental evidence demonstrating its impact on protein function have been reported. ClinVar contains an entry for this variant (Variation ID: 2889712). Based on the evidence outlined above, the variant was classified as uncertain significance.

Labcorp Genetics (formerly Invitae), Labcorp
Classification: Uncertain significance. Last evaluated: 2024-12-02. Review status: criteria provided, single submitter. Criteria: Invitae Variant Classification Sherloc (09022015). Collection method: clinical testing. Allele origin: germline.
Comment: This sequence change replaces asparagine, which is neutral and polar, with serine, which is neutral and polar, at codon 1317 of the COL4A5 protein (p.Asn1317Ser). The frequency data for this variant in the population databases is considered unreliable, as metrics indicate poor data quality at this position in the gnomAD database. This variant has not been reported in the literature in individuals affected with COL4A5-related conditions. ClinVar contains an entry for this variant (Variation ID: 2889712). Invitae Evidence Modeling of protein sequence and biophysical properties (such as structural, functional, and spatial information, amino acid conservation, physicochemical variation, residue mobility, and thermodynamic stability) indicates that this missense variant is not expected to disrupt COL4A5 protein function with a negative predictive value of 95%. In summary, the available evidence is currently insufficient to determine the role of this variant in disease. Therefore, it has been classified as a Variant of Uncertain Significance.